The following is an entry in ClinVar:

NM_006206.6(PDGFRA):c.1273C>T (p.His425Tyr)

Gene: PDGFRA (platelet derived growth factor receptor alpha; plus strand). Cytogenetic location: 4q12.
Variant type: single nucleotide variant.
Coding change: c.1273C>T on transcript NM_006206.6 (MANE Select); coding-DNA position 1273, C replaced by T.
Protein change: p.His425Tyr; replaces histidine 425 with tyrosine.
Molecular consequence: missense variant.
Genome position (GRCh38, 1-based): chr4:54,272,429, C>T. VCF-style: chr4-54272429-C-T. GRCh37 (hg19) VCF-style: chr4-55138596-C-T.
Other names: c.1273C>T, p.His425Tyr (NM_001347827.2, NM_001347829.2); c.1348C>T, p.His450Tyr (NM_001347828.2); c.1312C>T, p.His438Tyr (NM_001347830.2); short protein forms H425Y, H450Y, H438Y.
Identifiers: ClinVar variation 458994 (VCV000458994.9), dbSNP rs759374919, ClinGen allele CA2922509.

ClinVar aggregate classification (germline): Conflicting classifications of pathogenicity. Review status: criteria provided, conflicting classifications (1 of 4 stars). 3 submissions from 3 submitters: Uncertain significance (2); Likely benign (1). Last evaluated 2025-04-09.

Conditions:
Polyps, multiple and recurrent inflammatory fibroid, gastrointestinal. Identifiers: MedGen C5193005, MONDO:0008285, OMIM 175510.
Hereditary cancer-predisposing syndrome. Also called: Tumor predisposition; Hereditary neoplastic syndrome; Neoplastic Syndromes, Hereditary; Hereditary Cancer Syndrome. Identifiers: Orphanet 140162, MedGen C0027672, MeSH D009386, MONDO:0015356.
Gastrointestinal stromal tumor. Also called: Gastrointestinal stroma tumor; Gastrointestinal stromal tumor, somatic. Identifiers: Orphanet 44890, MedGen C0238198, MeSH D046152, MONDO:0011719, OMIM 606764, HP:0100723.

Allele frequency attached by ClinVar (database versions not stated): gnomAD exomes below 0.00001 and 0.00001; TOPMed 0.00001; ExAC 0.00002.
gnomAD v4.1: 2 of 1,614,050 alleles (0.00012%); highest among the groups gnomAD compares: East Asian, 0.0045%; no homozygotes.

Submissions (3):

Labcorp Genetics (formerly Invitae), Labcorp
Classification: Uncertain significance for Gastrointestinal stromal tumor. Last evaluated: 2025-04-09. Review status: criteria provided, single submitter. Criteria: Invitae Variant Classification Sherloc (09022015). Collection method: clinical testing. Allele origin: germline.
Comment: This sequence change replaces histidine, which is basic and polar, with tyrosine, which is neutral and polar, at codon 425 of the PDGFRA protein (p.His425Tyr). This variant is present in population databases (rs759374919, gnomAD 0.02%). This variant has not been reported in the literature in individuals affected with PDGFRA-related conditions. ClinVar contains an entry for this variant (Variation ID: 458994). Invitae Evidence Modeling of protein sequence and biophysical properties (such as structural, functional, and spatial information, amino acid conservation, physicochemical variation, residue mobility, and thermodynamic stability) indicates that this missense variant is not expected to disrupt PDGFRA protein function with a negative predictive value of 80%. In summary, the available evidence is currently insufficient to determine the role of this variant in disease. Therefore, it has been classified as a Variant of Uncertain Significance.

Ambry Genetics
Classification: Likely benign for Hereditary cancer-predisposing syndrome. Last evaluated: 2024-08-20. Review status: criteria provided, single submitter. Criteria: Ambry Variant Classification Scheme 2023. Collection method: clinical testing. Allele origin: germline.

Baylor Genetics
Classification: Uncertain significance for Polyps, multiple and recurrent inflammatory fibroid, gastrointestinal. Last evaluated: 2023-12-08. Review status: criteria provided, single submitter. Criteria: ACMG Guidelines, 2015. Collection method: clinical testing. Allele origin: unknown.